The following is an entry in ClinVar:

ClinVar aggregate classification (germline): Likely pathogenic (1 of 4 stars; one submission).

Conditions:
Familial hemophagocytic lymphohistiocytosis 3 (FHL3). Also called: UNC13D-Related Familial Hemophagocytic Lymphohistiocytosis (UNC13D-fHLH). Identifiers: Orphanet 540, MedGen C1837174, MONDO:0012146, OMIM 608898.

Allele frequency attached by ClinVar (database versions not stated): gnomAD exomes below 0.00001.
gnomAD v4.1: 2 of 1,611,744 alleles (0.00012%); highest among the groups gnomAD compares: Non-Finnish European, 0.00017%; no homozygotes.

Submission:

Labcorp Genetics (formerly Invitae), Labcorp
Classification: Likely pathogenic for Familial hemophagocytic lymphohistiocytosis 3. Last evaluated: 2023-03-04. Review status: criteria provided, single submitter. Criteria: Invitae Variant Classification Sherloc (09022015). Collection method: clinical testing. Allele origin: germline.
Comment: In summary, the currently available evidence indicates that the variant is pathogenic, but additional data are needed to prove that conclusively. Therefore, this variant has been classified as Likely Pathogenic. Algorithms developed to predict the effect of sequence changes on RNA splicing suggest that this variant may disrupt the consensus splice site. Disruption of this splice site has been observed in individual(s) with UNC13D-related conditions (PMID: 24470399). This variant is not present in population databases (gnomAD no frequency). This sequence change affects a donor splice site in intron 20 of the UNC13D gene. It is expected to disrupt RNA splicing. Variants that disrupt the donor or acceptor splice site typically lead to a loss of protein function (PMID: 16199547), and loss-of-function variants in UNC13D are known to be pathogenic (PMID: 14622600).

Literature cited by the submitters: PubMed 24470399; PubMed 16199547; PubMed 14622600.

NM_199242.3(UNC13D):c.1848+1G>C

Gene: UNC13D (unc-13 homolog D; minus strand). Cytogenetic location: 17q25.1.
Variant type: single nucleotide variant.
Coding change: c.1848+1G>C on transcript NM_199242.3 (MANE Select); the canonical splice donor site of the intron after coding-DNA position 1848, G replaced by C.
Molecular consequence: splice donor variant.
Genome position (GRCh38, 1-based): chr17:75,835,408, C>G on the plus strand (G>C on the coding strand, the complement: UNC13D is on the minus strand). VCF-style: chr17-75835408-C-G. GRCh37 (hg19) VCF-style: chr17-73831489-C-G.
Identifiers: ClinVar variation 2736659 (VCV002736659.2), dbSNP rs2545981250, ClinGen allele CA401092032.